The following is an entry in ClinVar:

NM_182961.4(SYNE1):c.24328C>T (p.Arg8110Cys)

Gene: SYNE1 (spectrin repeat containing nuclear envelope protein 1; minus strand). Cytogenetic location: 6q25.2.
Variant type: single nucleotide variant.
Coding change: c.24328C>T on transcript NM_182961.4 (MANE Select); coding-DNA position 24328, C replaced by T.
Protein change: p.Arg8110Cys; replaces arginine 8110 with cysteine.
Molecular consequence: missense variant.
Genome position (GRCh38, 1-based): chr6:152,151,675, G>A on the plus strand (C>T on the coding strand, the complement: SYNE1 is on the minus strand). VCF-style: chr6-152151675-G-A. GRCh37 (hg19) VCF-style: chr6-152472810-G-A.
Other names: c.934C>T, p.Arg312Cys (NM_001347701.2); c.793C>T, p.Arg265Cys (NM_001347702.2); c.24115C>T, p.Arg8039Cys (NM_033071.5); short protein forms R265C, R312C, R8039C, R8110C.
Identifiers: ClinVar variation 1006902 (VCV001006902.8), dbSNP rs749473816, ClinGen allele CA4053201.

ClinVar aggregate classification (germline): Uncertain significance (1 of 4 stars; one submission).

Conditions:
Autosomal recessive ataxia, Beauce type. Also called: ATAXIA, RECESSIVE, OF BEAUCE; Spinocerebellar ataxia, autosomal recessive 8; SYNE1-Related Autosomal Recessive Cerebellar Ataxia; SYNE1 Deficiency. Identifiers: Orphanet 88644, MedGen C1853116, MONDO:0012549, OMIM 610743.
Emery-Dreifuss muscular dystrophy 4, autosomal dominant (EDMD4). Also called: EMERY-DREIFUSS MUSCULAR DYSTROPHY 4 WITH VARIABLE FEATURES. Identifiers: Orphanet 261, MedGen C2751807, MONDO:0013071, OMIM 612998.

Allele frequency attached by ClinVar (database versions not stated): gnomAD exomes below 0.00001; ExAC 0.00001.
gnomAD v4.1: 5 of 1,613,978 alleles (0.00031%); highest among the groups gnomAD compares: South Asian, 0.0044%; no homozygotes.

Submission:

Labcorp Genetics (formerly Invitae), Labcorp
Classification: Uncertain significance for Emery-Dreifuss muscular dystrophy 4, autosomal dominant; Autosomal recessive ataxia, Beauce type. Last evaluated: 2020-10-15. Review status: criteria provided, single submitter. Criteria: Invitae Variant Classification Sherloc (09022015). Collection method: clinical testing. Allele origin: germline.
Comment: This variant has not been reported in the literature in individuals with SYNE1-related conditions. In summary, the available evidence is currently insufficient to determine the role of this variant in disease. Therefore, it has been classified as a Variant of Uncertain Significance. Algorithms developed to predict the effect of missense changes on protein structure and function are either unavailable or do not agree on the potential impact of this missense change (SIFT: "Deleterious"; PolyPhen-2: "Probably Damaging"; Align-GVGD: "Class C0"). This variant is present in population databases (rs749473816, ExAC 0.006%). This sequence change replaces arginine with cysteine at codon 8039 of the SYNE1 protein (p.Arg8039Cys). The arginine residue is highly conserved and there is a large physicochemical difference between arginine and cysteine.